The following is an entry in ClinVar:

NM_014844.5(TECPR2):c.1160_1161del (p.Thr387fs)

Gene: TECPR2 (tectonin beta-propeller repeat containing 2; plus strand). Cytogenetic location: 14q32.31.
Variant type: Microsatellite.
Coding change: c.1160_1161del on transcript NM_014844.5 (MANE Select); coding-DNA positions 1160 to 1161, 2 bases deleted (CA; older notation c.1160_1161delCA).
Protein change: p.Thr387fs; shifts the reading frame from threonine 387.
Molecular consequence: frameshift variant.
Genome position (GRCh38, 1-based): chr14:102,431,871-102,431,872, CA deleted; deleting any 2 consecutive bases within chr14:102,431,869-102,431,872 gives the same sequence; the c. name uses the placement nearest the transcript's 3' end. VCF-style (leftmost placement, unchanged base first): chr14-102431868-CCA-C. GRCh37 (hg19) VCF-style: chr14-102898205-CCA-C.
Other names: c.1160_1161del, p.Thr387fs (NM_001172631.3); short protein forms T387fs.
Identifiers: ClinVar variation 1071450 (VCV001071450.9), dbSNP rs1213755599, ClinGen allele CA616380683.

ClinVar aggregate classification (germline): Pathogenic (1 of 4 stars; one submission).

Conditions:
Hereditary spastic paraplegia 49 (HSAN9). Also called: Spastic paraplegia 49, autosomal recessive; NEUROPATHY, HEREDITARY SENSORY AND AUTONOMIC, TYPE IX, WITH DEVELOPMENTAL DELAY; TECPR2-Related Hereditary Sensory and Autonomic Neuropathy with Intellectual Disability. Identifiers: Orphanet 320385, MedGen C5190860, MONDO:0014016, OMIM 615031.

Submission:

Labcorp Genetics (formerly Invitae), Labcorp
Classification: Pathogenic for Hereditary spastic paraplegia 49. Last evaluated: 2025-12-16. Review status: criteria provided, single submitter. Criteria: Invitae Variant Classification Sherloc (09022015). Collection method: clinical testing. Allele origin: germline.
Comment: This sequence change creates a premature translational stop signal (p.Thr387Serfs*3) in the TECPR2 gene. It is expected to result in an absent or disrupted protein product. Loss-of-function variants in TECPR2 are known to be pathogenic (PMID: 23176824, 25590979). This variant is present in population databases (no rsID available, gnomAD 0.0008%). This variant has not been reported in the literature in individuals affected with TECPR2-related conditions. For these reasons, this variant has been classified as Pathogenic.

Literature cited by the submitters: PubMed 23176824; PubMed 25590979.